The following is an entry in ClinVar:

NM_000827.4(GRIA1):c.2238T>A (p.Tyr746Ter)

Gene: GRIA1 (glutamate ionotropic receptor AMPA type subunit 1; plus strand). Cytogenetic location: 5q33.2.
Variant type: single nucleotide variant.
Coding change: c.2238T>A on transcript NM_000827.4 (MANE Select); coding-DNA position 2238, T replaced by A.
Protein change: p.Tyr746Ter; replaces tyrosine 746 with a stop codon.
Molecular consequence: nonsense. On other transcripts: non-coding transcript variant (2).
Genome position (GRCh38, 1-based): chr5:153,770,383, T>A. VCF-style: chr5-153770383-T-A. GRCh37 (hg19) VCF-style: chr5-153149943-T-A.
Other names: c.2238T>A, p.Tyr746Ter (NM_001114183.2); c.1998T>A, p.Tyr666Ter (NM_001258019.2); c.1953T>A, p.Tyr651Ter (NM_001258020.2); c.2268T>A, p.Tyr756Ter (NM_001258021.2, NM_001258022.2); c.2031T>A, p.Tyr677Ter (NM_001258023.1, NM_001364167.2); c.2070T>A, p.Tyr690Ter (NM_001364165.2); c.2265T>A, p.Tyr755Ter (NM_001364166.2); short protein forms Y651*, Y666*, Y677*, Y690*, Y746*, Y755*, Y756*.
Identifiers: ClinVar variation 4528073 (VCV004528073.1).

ClinVar aggregate classification (germline): Uncertain significance (1 of 4 stars; one submission).

Submission:

GeneDx
Classification: Uncertain significance. Last evaluated: 2025-05-03. Review status: criteria provided, single submitter. Criteria: GeneDx Variant Classification Process June 2021. Collection method: clinical testing. Allele origin: germline. Affected: yes.
Comment: Not observed at significant frequency in large population cohorts (gnomAD); Nonsense variant predicted to result in protein truncation or nonsense mediated decay in a gene or region of a gene for which loss of function is not a well-established mechanism of disease; Has not been previously published as pathogenic or benign to our knowledge